The following is an entry in ClinVar:

ClinVar aggregate classification (germline): Benign/Likely benign. Review status: criteria provided, multiple submitters, no conflicts (2 of 4 stars). 6 submissions from 5 submitters: Benign (2); Likely benign (4). Last evaluated 2025-10-01.

Conditions:
Metaphyseal chondrodysplasia, Jansen type. Also called: PTH1R-Related Jansen Metaphyseal Chondrodysplasia; Metaphyseal chondrodysplasia Murk Jansen type. Identifiers: Orphanet 33067, MedGen C0265295, MONDO:0007982, OMIM 156400.
Primary failure of tooth eruption. Also called: DENTAL NONERUPTION; POSTERIOR OPENBITE MALOCCLUSION, FAMILIAL; PRIMARY RETENTION OF TEETH; UNERUPTED SECOND PRIMARY MOLAR. Identifiers: Orphanet 412206, MedGen C1852222, MONDO:0007434, OMIM 125350.
Chondrodysplasia Blomstrand type (BOCD). Identifiers: Orphanet 50945, MedGen C1859148, MONDO:0008970, OMIM 215045.
Eiken syndrome (EKNS). Also called: BONE MODELING DEFECT OF HANDS AND FEET. Identifiers: Orphanet 79106, MedGen C1838779, MONDO:0010803, OMIM 600002.

Allele frequency attached by ClinVar (database versions not stated): ESP Exome Variant Server 0.00023; gnomAD exomes 0.00030 and 0.00055; gnomAD 0.00034 and 0.00046; TOPMed 0.00037; ExAC 0.00055; 1000 Genomes Project 30x 0.00172; 1000 Genomes Project 0.00200.
gnomAD v4.1: 556 of 1,614,136 alleles (0.034%); highest among the groups gnomAD compares: East Asian, 0.86%; 1 homozygote.

Submissions (6):

CeGaT Center for Human Genetics Tuebingen
Classification: Likely benign. Last evaluated: 2025-10-01. Review status: criteria provided, single submitter. Criteria: CeGaT Center For Human Genetics Tuebingen Variant Classification Criteria Version 2. Collection method: clinical testing. Allele origin: germline. Affected: yes. Observed: 1 variant allele.
Comment: PTH1R: BP4, BP7

Labcorp Genetics (formerly Invitae), Labcorp
Classification: Benign. Last evaluated: 2025-09-28. Review status: criteria provided, single submitter. Criteria: Invitae Variant Classification Sherloc (09022015). Collection method: clinical testing. Allele origin: germline.

Blueprint Genetics
Classification: Likely benign. Last evaluated: 2024-07-09. Review status: criteria provided, single submitter. Criteria: ACMG Guidelines, 2015. Collection method: clinical testing. Allele origin: germline.

Fulgent Genetics
Classification: Likely benign for Primary failure of tooth eruption; Metaphyseal chondrodysplasia, Jansen type; Chondrodysplasia Blomstrand type; Eiken syndrome. Last evaluated: 2021-07-24. Review status: criteria provided, single submitter. Criteria: ACMG Guidelines, 2015. Collection method: clinical testing. Allele origin: unknown.

Illumina Laboratory Services, Illumina
Classification: Likely benign for Chondrodysplasia Blomstrand type. Last evaluated: 2018-01-13. Review status: criteria provided, single submitter. Criteria: ICSL Variant Classification Criteria 13 December 2019. Collection method: clinical testing. Allele origin: germline.
Comment: This variant was observed in the ICSL laboratory as part of a predisposition screen in an ostensibly healthy population. It had not been previously curated by ICSL or reported in the Human Gene Mutation Database (HGMD: prior to June 1st, 2018), and was therefore a candidate for classification through an automated scoring system. Utilizing variant allele frequency, disease prevalence and penetrance estimates, and inheritance mode, an automated score was calculated to assess if this variant is too frequent to cause the disease. Based on the score and internal cut-off values, a variant classified as likely benign is not then subjected to further curation. The score for this variant resulted in a classification of likely benign for this disease.

Illumina Laboratory Services, Illumina
Classification: Benign for Metaphyseal chondrodysplasia, Jansen type. Last evaluated: 2018-01-13. Review status: criteria provided, single submitter. Criteria: ICSL Variant Classification Criteria 13 December 2019. Collection method: clinical testing. Allele origin: germline.
Comment: This variant was observed in the ICSL laboratory as part of a predisposition screen in an ostensibly healthy population. It had not been previously curated by ICSL or reported in the Human Gene Mutation Database (HGMD: prior to June 1st, 2018), and was therefore a candidate for classification through an automated scoring system. Utilizing variant allele frequency, disease prevalence and penetrance estimates, and inheritance mode, an automated score was calculated to assess if this variant is too frequent to cause the disease. Based on the score and internal cut-off values, a variant classified as benign is not then subjected to further curation. The score for this variant resulted in a classification of benign for this disease.

NM_000316.3(PTH1R):c.375G>A (p.Glu125=)

Genes: PTH1R (parathyroid hormone 1 receptor; plus strand), LOC129936652 (ATAC-STARR-seq lymphoblastoid silent region 14297; plus strand). Cytogenetic location: 3p21.31.
Variant type: single nucleotide variant.
Coding change: c.375G>A on transcript NM_000316.3 (MANE Select); coding-DNA position 375, G replaced by A.
Protein change: p.Glu125=; no amino-acid change (glutamic acid 125 retained).
Molecular consequence: synonymous variant.
Genome position (GRCh38, 1-based): chr3:46,897,916, G>A. VCF-style: chr3-46897916-G-A. GRCh37 (hg19) VCF-style: chr3-46939406-G-A.
Other names: c.375G>A, p.Glu125= (NM_001184744.1).
Identifiers: ClinVar variation 345586 (VCV000345586.20), dbSNP rs138339848, ClinGen allele CA2359155.